The following is an entry in ClinVar:

ClinVar aggregate classification (germline): Uncertain significance (1 of 4 stars; one submission).

Conditions:
Inborn genetic diseases. Identifiers: MedGen C0950123, MeSH D030342.

gnomAD v4.1: 1 of 1,611,026 alleles (0.000062%); highest among the groups gnomAD compares: South Asian, 0.0011%; no homozygotes.

Submission:

Ambry Genetics
Classification: Uncertain significance for Inborn genetic diseases. Last evaluated: 2025-11-08. Review status: criteria provided, single submitter. Criteria: Ambry Variant Classification Scheme 2023. Collection method: clinical testing. Allele origin: germline.
Comment: The p.R608K variant (also known as c.1823G>A), located in coding exon 21 of the RTEL1 gene, results from a G to A substitution at nucleotide position 1823. The arginine at codon 608 is replaced by lysine, an amino acid with highly similar properties. This amino acid position is conserved. In addition, this alteration is predicted to be tolerated by in silico analysis. Based on the available evidence, the clinical significance of this variant remains unclear.

NM_001283009.2(RTEL1):c.1823G>A (p.Arg608Lys)

Genes: RTEL1 (regulator of telomere elongation helicase 1; plus strand), RTEL1-TNFRSF6B (RTEL1-TNFRSF6B readthrough (NMD candidate); plus strand). Cytogenetic location: 20q13.33.
Variant type: single nucleotide variant.
Coding change: c.1823G>A on transcript NM_001283009.2 (MANE Select); coding-DNA position 1823, G replaced by A.
Protein change: p.Arg608Lys; replaces arginine 608 with lysine.
Molecular consequence: missense variant. On other transcripts: non-coding transcript variant (1).
Genome position (GRCh38, 1-based): chr20:63,689,077, G>A. VCF-style: chr20-63689077-G-A. GRCh37 (hg19) VCF-style: chr20-62320430-G-A.
Other names: c.1154G>A, p.Arg385Lys (NM_001283010.1); c.1823G>A, p.Arg608Lys (NM_016434.4); c.1895G>A, p.Arg632Lys (NM_032957.5); short protein forms R385K, R608K, R632K.
Identifiers: ClinVar variation 4629590 (VCV004629590.1).
Genomic context (GRCh38, chr20:63,689,077, plus strand): 5'-GGGGGCTCCAGGCTCAGCCTCACCAACTTTCCTTCCAGACCATCAGTGCTTACTATGCAA[G>A]GGTTGCCGCCCCTGGGTCCACCGGCGCCACCTTCCTGGCGGTCTGCCGGGGCAAGGTGAG-3'
Protein context (NP_001269938.1, residues 598-618): FSETISAYYA[Arg608Lys]VAAPGSTGAT